The following is an entry in ClinVar:

NM_002335.4(LRP5):c.1564G>A (p.Ala522Thr)

Gene: LRP5 (LDL receptor related protein 5; plus strand). Cytogenetic location: 11q13.2.
Variant type: single nucleotide variant.
Coding change: c.1564G>A on transcript NM_002335.4 (MANE Select); coding-DNA position 1564, G replaced by A.
Protein change: p.Ala522Thr; replaces alanine 522 with threonine.
Molecular consequence: missense variant. On other transcripts: intron variant (1).
Genome position (GRCh38, 1-based): chr11:68,390,032, G>A. VCF-style: chr11-68390032-G-A. GRCh37 (hg19) VCF-style: chr11-68157500-G-A.
Other names: c.-354+3320G>A (NM_001291902.2); short protein forms A522T.
Identifiers: ClinVar variation 1455445 (VCV001455445.6), dbSNP rs80358309, ClinGen allele CA224254757.

ClinVar aggregate classification (germline): Pathogenic (1 of 4 stars; one submission).

Allele frequency attached by ClinVar (database versions not stated): gnomAD exomes below 0.00001; TOPMed below 0.00001.
gnomAD v4.1: 2 of 1,614,248 alleles (0.00012%); highest among the groups gnomAD compares: African/African-American, 0.0013%; no homozygotes.

Submission:

Labcorp Genetics (formerly Invitae), Labcorp
Classification: Pathogenic. Last evaluated: 2021-07-28. Review status: criteria provided, single submitter. Criteria: Invitae Variant Classification Sherloc (09022015). Collection method: clinical testing. Allele origin: germline.
Comment: For these reasons, this variant has been classified as Pathogenic. Experimental studies have shown that this missense change affects LRP5 protein function (PMID: 17955262). Advanced modeling of protein sequence and biophysical properties (such as structural, functional, and spatial information, amino acid conservation, physicochemical variation, residue mobility, and thermodynamic stability) performed at Invitae indicates that this missense variant is expected to disrupt LRP5 protein function. This missense change has been observed in individual(s) with autosomal dominant and autosomal recessive familial exudative vitreoretinopathy (PMID: 15981244, 25711638). It has also been observed to segregate with disease in related individuals. This variant is not present in population databases (ExAC no frequency). This sequence change replaces alanine with threonine at codon 522 of the LRP5 protein (p.Ala522Thr). The alanine residue is highly conserved and there is a small physicochemical difference between alanine and threonine.

Literature cited by the submitters: PubMed 17955262; PubMed 15981244; PubMed 25711638.